The following is an entry in ClinVar:

NM_016580.4(PCDH12):c.1153C>A (p.His385Asn)

Genes: RNF14 (ring finger protein 14; plus strand), PCDH12 (protocadherin 12; minus strand). Cytogenetic location: 5q31.3.
Variant type: single nucleotide variant.
Coding change: c.1153C>A on transcript NM_016580.4 (MANE Select); coding-DNA position 1153, C replaced by A.
Protein change: p.His385Asn; replaces histidine 385 with asparagine.
Molecular consequence: missense variant.
Genome position (GRCh38, 1-based): chr5:141,956,699, G>T on the plus strand (C>A on the coding strand, the complement: PCDH12 is on the minus strand). VCF-style: chr5-141956699-G-T. GRCh37 (hg19) VCF-style: chr5-141336264-G-T.
Other names: p.His385Asn; short protein forms H385N.
Identifiers: ClinVar variation 512678 (VCV000512678.14), dbSNP rs164075, ClinGen allele CA3484449.

ClinVar aggregate classification (germline): Benign. Review status: criteria provided, multiple submitters, no conflicts (2 of 4 stars). 5 submissions from 5 submitters: Benign (5). Last evaluated 2026-02-03.

Conditions:
Diencephalic-mesencephalic junction dysplasia syndrome 1 (DMJDS1). Also called: Microcephaly with spastic quadriplegia. Identifiers: MedGen C4538630, MONDO:0009625, OMIM 251280.

Allele frequency attached by ClinVar (database versions not stated): ESP Exome Variant Server 0.63286; gnomAD 0.64019; TOPMed 0.66758; 1000 Genomes Project 30x 0.76749.
gnomAD v4.1: 907,985 of 1,613,964 alleles (56%); highest among the groups gnomAD compares: African/African-American, 88%; 264,964 homozygotes.

Submissions (5):

Labcorp Genetics (formerly Invitae), Labcorp
Classification: Benign. Last evaluated: 2026-02-03. Review status: criteria provided, single submitter. Criteria: Invitae Variant Classification Sherloc (09022015). Collection method: clinical testing. Allele origin: germline.

Blueprint Genetics
Classification: Benign. Last evaluated: 2024-11-26. Review status: criteria provided, single submitter. Criteria: ACMG Guidelines, 2015. Collection method: clinical testing. Allele origin: germline.

Mayo Clinic Laboratories, Mayo Clinic
Classification: Benign. Last evaluated: 2021-11-29. Review status: criteria provided, single submitter. Criteria: ACMG Guidelines, 2015. Collection method: clinical testing. Allele origin: germline. Observed: 205 variant alleles.

Genome-Nilou Lab
Classification: Benign for Diencephalic-mesencephalic junction dysplasia syndrome 1. Last evaluated: 2021-09-05. Review status: criteria provided, single submitter. Criteria: ACMG Guidelines, 2015. Collection method: clinical testing. Allele origin: germline. Affected: no.

GeneDx
Classification: Benign. Last evaluated: 2017-11-22. Review status: criteria provided, single submitter. Criteria: GeneDx Variant Classification (06012015). Collection method: clinical testing. Allele origin: germline. Affected: yes.
Comment: This variant is considered likely benign or benign based on one or more of the following criteria: it is a conservative change, it occurs at a poorly conserved position in the protein, it is predicted to be benign by multiple in silico algorithms, and/or has population frequency not consistent with disease.